The following is an entry in ClinVar:

NM_012330.4(KAT6B):c.40C>A (p.Leu14Ile)

Gene: KAT6B (lysine acetyltransferase 6B; plus strand). Cytogenetic location: 10q22.2.
Variant type: single nucleotide variant.
Coding change: c.40C>A on transcript NM_012330.4 (MANE Select); coding-DNA position 40, C replaced by A.
Protein change: p.Leu14Ile; replaces leucine 14 with isoleucine.
Molecular consequence: missense variant. On other transcripts: 5 prime UTR variant (2).
Genome position (GRCh38, 1-based): chr10:74,842,897, C>A. VCF-style: chr10-74842897-C-A. GRCh37 (hg19) VCF-style: chr10-76602655-C-A.
Other names: c.40C>A, p.Leu14Ile (NM_001256469.2, NM_001370132.1, NM_001370133.1 and 10 more transcripts); c.-499C>A (NM_001370134.1, NM_001370135.1); short protein forms L14I.
Identifiers: ClinVar variation 3654741 (VCV003654741.2).
Genomic context (GRCh38, chr10:74,842,897, plus strand): 5'-TGAAGAAGTCATTTGTCAACCATGGTAAAACTTGCAAACCCACTTTATACAGAGTGGATT[C>A]TTGAAGCTATACAGAAAATAAAAAAGCAAAAGCAAAGGCCCTCTGAAGAGAGAATCTGCC-3'
Protein context (NP_036462.2, residues 4-24): LANPLYTEWI[Leu14Ile]EAIQKIKKQK

ClinVar aggregate classification (germline): Uncertain significance (1 of 4 stars; one submission).

Conditions:
Genitopatellar syndrome (GTPTS). Also called: ABSENT PATELLAE, SCROTAL HYPOPLASIA, RENAL ANOMALIES, FACIAL DYSMORPHISM, AND MENTAL RETARDATION; Genitopatellar syndrome (GPS). Identifiers: Orphanet 85201, MedGen C1853566, MONDO:0011640, OMIM 606170.

Submission:

Labcorp Genetics (formerly Invitae), Labcorp
Classification: Uncertain significance for Genitopatellar syndrome. Last evaluated: 2024-08-01. Review status: criteria provided, single submitter. Criteria: Invitae Variant Classification Sherloc (09022015). Collection method: clinical testing. Allele origin: germline.
Comment: This sequence change replaces leucine, which is neutral and non-polar, with isoleucine, which is neutral and non-polar, at codon 14 of the KAT6B protein (p.Leu14Ile). This variant is not present in population databases (gnomAD no frequency). This variant has not been reported in the literature in individuals affected with KAT6B-related conditions. Advanced modeling of protein sequence and biophysical properties (such as structural, functional, and spatial information, amino acid conservation, physicochemical variation, residue mobility, and thermodynamic stability) performed at Invitae indicates that this missense variant is not expected to disrupt KAT6B protein function with a negative predictive value of 80%. In summary, the available evidence is currently insufficient to determine the role of this variant in disease. Therefore, it has been classified as a Variant of Uncertain Significance.